The following is an entry in ClinVar:

ClinVar aggregate classification (germline): Pathogenic. Review status: criteria provided, multiple submitters, no conflicts (2 of 4 stars). 7 submissions from 7 submitters: Pathogenic (7). Last evaluated 2025-10-18.

Conditions:
GM1 gangliosidosis. Identifiers: Orphanet 354, MedGen C0085131, MONDO:0018149.
Mucopolysaccharidosis, MPS-IV-B (MPS4B). Also called: Mucopolysaccharidosis Type IVB; Mucopolysaccharidosis type IV B; Mucopolysaccharidosis Type IVB (Morquio B Disease); Mucopolysaccharidosis type IVB (Morquio); MPS IVB; Mucopolysaccharidosis type 4B. Identifiers: Orphanet 309310, Orphanet 582, MedGen C0086652, MONDO:0009660, OMIM 253010.
Infantile GM1 gangliosidosis. Also called: GM1-gangliosidosis, type I; Gangliosidosis, generalized GM1, infantile form; GLB1 deficiency; GM1 gangliosidosis type 1; Gangliosidosis, Generalized GM1, Type 1. Identifiers: Orphanet 354, Orphanet 79255, MedGen C0268271, MONDO:0009260, OMIM 230500.

Submissions (7):

Labcorp Genetics (formerly Invitae), Labcorp
Classification: Pathogenic for Mucopolysaccharidosis, MPS-IV-B; GM1 gangliosidosis. Last evaluated: 2025-10-18. Review status: criteria provided, single submitter. Criteria: Invitae Variant Classification Sherloc (09022015). Collection method: clinical testing. Allele origin: germline.
Comment: This sequence change creates a premature translational stop signal (p.Val360Tyrfs*23) in the GLB1 gene. It is expected to result in an absent or disrupted protein product. Loss-of-function variants in GLB1 are known to be pathogenic (PMID: 18524657). This variant is present in population databases (rs727503952, gnomAD 0.007%). This premature translational stop signal has been observed in individuals with GM1 gangliosidosis (PMID: 20175788, 25936995). This variant is also known as p.K359Kfs*23. ClinVar contains an entry for this variant (Variation ID: 167146). For these reasons, this variant has been classified as Pathogenic.

Foundation for Research in Genetics and Endocrinology, FRIGE's Institute of Human Genetics
Classification: Pathogenic for Infantile GM1 gangliosidosis. Last evaluated: 2022-09-30. Review status: criteria provided, single submitter. Criteria: ACMG Guidelines, 2015. Collection method: clinical testing. Allele origin: germline. Inheritance: Autosomal recessive inheritance. Affected: yes. Observed: 1 homozygote.
Comment: The variant has shown a homozygous status for c.1221del (p.Val408TyrfsTer23) in exon 12 of the GLB1 gene. This variant is not reported in the 1000 genomes and gnomAD databases. The in-silico prediction of the variant is disease causing mutation Taster2.

Johns Hopkins Genomics, Johns Hopkins University
Classification: Pathogenic for Mucopolysaccharidosis, MPS-IV-B. Last evaluated: 2022-02-17. Review status: criteria provided, single submitter. Criteria: ACMG Guidelines, 2015. Collection method: clinical testing. Allele origin: germline.

Victorian Clinical Genetics Services, Murdoch Childrens Research Institute
Classification: Pathogenic for GM1 gangliosidosis. Last evaluated: 2020-05-21. Review status: criteria provided, single submitter. Criteria: ACMG Guidelines, 2015. Collection method: clinical testing. Allele origin: germline. Inheritance: Autosomal recessive inheritance.
Comment: A heterozygous frameshift deletion variant was identified, NM_000404.3(GLB1):c.1077del in exon 11 of 16 of the GLB1 gene. This deletion is predicted to cause a frameshift starting at position 360, NP_000395.2(GLB1):p.(Val360Tyrfs*23), resulting in a loss of normal protein function through nonsense-mediated decay (NMD). The variant is present in the gnomAD population database at a frequency of 0.0008% (2 heterozygotes; 0 homozygotes), observed within the South Asian population only. The variant has previously been reported as pathogenic in patients with GM1-gangliosidosis, and has been observed in cis with a missense variant (NM_000404.3(GLB1):c.1071T>G; NP_000395.2(GLB1):p.(Phe357Leu)) (ClinVar, Hofer, D. et al. (2012), Bidchol, A. et al. (2015), Uttarilli, A. et al. (2019)). Other variants predicted to cause NMD have also been reported as pathogenic in individuals with this condition (ClinVar). Based on information available at the time of curation, this variant has been classified as PATHOGENIC.

Women's Health and Genetics/Laboratory Corporation of America, LabCorp
Classification: Pathogenic for Mucopolysaccharidosis, MPS-IV-B. Last evaluated: 2019-01-21. Review status: criteria provided, single submitter. Criteria: LabCorp Variant Classification Summary - May 2015. Collection method: clinical testing. Allele origin: germline.
Comment: Variant summary: GLB1 c.1077delA (p.Val360TyrfsX23) results in a premature termination codon, predicted to cause a truncation of the encoded protein or absence of the protein due to nonsense mediated decay, which are commonly known mechanisms for disease. Truncations downstream of this position have been classified as pathogenic by other laboratories (eg. c.1174_1175delCT/p.Leu392Valfs, c.1188dupG/p.Pro397Alafs). The variant allele was found at a frequency of 8.2e-06 in 243488 control chromosomes. c.1077delA has been reported in the literature in multiple individuals affected with Mucopolysaccharidosis Type IVB (Morquio Syndrome B, Hofer_2010, Bidchol_2015). These data indicate that the variant is very likely to be associated with disease. To our knowledge, no experimental evidence demonstrating an impact on protein function has been reported. No clinical diagnostic laboratories have submitted clinical-significance assessments for this variant to ClinVar after 2014. Based on the evidence outlined above, the variant was classified as pathogenic.

Eurofins Ntd Llc (ga)
Classification: Pathogenic. Last evaluated: 2013-12-19. Review status: criteria provided, single submitter. Criteria: EGL Classification Definitions. Collection method: clinical testing. Allele origin: germline. Observed: 9 variant alleles, 8 heterozygotes, 1 homozygote.

Neuberg Centre For Genomic Medicine, NCGM
Classification: Pathogenic for Infantile GM1 gangliosidosis. Review status: criteria provided, single submitter. Criteria: ACMG Guidelines, 2015. Collection method: clinical testing. Allele origin: germline. Inheritance: Autosomal recessive inheritance. Affected: yes.
Comment: The c.1077del (p.Val360TyrfsTer23) frameshift variant in GLB1 gene has been observed in several individuals affected with GM1 gangliosidosis (Hofer et al., 2010; Bidchol et al., 2015). This variant is reported with the allele frequency (0.0008%) in the gnomAD and novel in 1000 genome database. This variant has been reported to the ClinVar database as Pathogenic. This variant causes a frameshift starting with codon Valine 360, changes this amino acid to Tyrosine residue, and creates a premature Stop codon at position 23 of the new reading frame, denoted p.Val360TyrfsTer23. Loss-of-function variants in GLB1 are known to be pathogenic (Brunetti-Pierri and Scaglia, 2008). For these reasons, this variant has been classified as Pathogenic.

Literature cited by the submitters: PubMed 18524657 (cited by Labcorp Genetics (formerly Invitae), Labcorp); PubMed 20175788 (cited by 4 submitters); PubMed 25936995 (cited by 4 submitters); PubMed 30408610 (cited by Victorian Clinical Genetics Services, Murdoch Childrens Research Institute).

NM_000404.4(GLB1):c.1077del (p.Val360fs)

Gene: GLB1 (galactosidase beta 1; minus strand). Cytogenetic location: 3p22.3.
Variant type: Deletion.
Coding change: c.1077del on transcript NM_000404.4 (MANE Select); coding-DNA position 1077, one base deleted (A; older notation c.1077delA).
Protein change: p.Val360fs; shifts the reading frame from valine 360.
Molecular consequence: frameshift variant.
Genome position (GRCh38, 1-based): chr3:33,024,317, T deleted on the plus strand (A on the coding strand, the reverse complement: GLB1 is on the minus strand); the first of 5 consecutive T bases (chr3:33,024,317-33,024,321); deleting any one gives the same sequence. VCF-style (leftmost placement, unchanged base first): chr3-33024316-CT-C. GRCh37 (hg19) VCF-style: chr3-33065808-CT-C.
Other names: c.987del, p.Val330fs (NM_001079811.3); c.684del, p.Val229fs (NM_001135602.3); c.1221del, p.Val408fs (NM_001317040.2); c.1077del, p.Val360fs (NM_001393580.1); c.1077delA (NM_000404.3, NM_000404.4); short protein forms V330fs, V408fs, V360fs, V229fs.
Identifiers: ClinVar variation 167146 (VCV000167146.20), dbSNP rs727503952, ClinGen allele CA200785.